The following is an entry in ClinVar:

ClinVar aggregate classification (germline): Uncertain significance (1 of 4 stars; one submission).

gnomAD v4.1: 1 of 1,610,350 alleles (0.000062%); highest among the groups gnomAD compares: Non-Finnish European, 0.000085%; no homozygotes.

Submission:

Women's Health and Genetics/Laboratory Corporation of America, LabCorp
Classification: Uncertain significance. Last evaluated: 2024-09-18. Review status: criteria provided, single submitter. Criteria: LabCorp Variant Classification Summary - May 2015. Collection method: clinical testing. Allele origin: germline.
Comment: Variant summary: HCN1 c.1366C>A (p.Pro456Thr) results in a non-conservative amino acid change in the encoded protein sequence. Four of five in-silico tools predict a damaging effect of the variant on protein function. The variant was absent in 250044 control chromosomes. The available data on variant occurrences in the general population are insufficient to allow any conclusion about variant significance. To our knowledge, no occurrence of c.1366C>A in individuals affected with HCN1-Related Disorders and no experimental evidence demonstrating its impact on protein function have been reported. No submitters have cited clinical-significance assessments for this variant to ClinVar. Based on the evidence outlined above, the variant was classified as uncertain significance.

NM_021072.4(HCN1):c.1366C>A (p.Pro456Thr)

Gene: HCN1 (hyperpolarization activated cyclic nucleotide gated potassium channel 1; minus strand). Cytogenetic location: 5p12.
Variant type: single nucleotide variant.
Coding change: c.1366C>A on transcript NM_021072.4 (MANE Select); coding-DNA position 1366, C replaced by A.
Protein change: p.Pro456Thr; replaces proline 456 with threonine.
Molecular consequence: missense variant.
Genome position (GRCh38, 1-based): chr5:45,353,111, G>T on the plus strand (C>A on the coding strand, the complement: HCN1 is on the minus strand). VCF-style: chr5-45353111-G-T. GRCh37 (hg19) VCF-style: chr5-45353213-G-T.
Other names: short protein forms P456T.
Identifiers: ClinVar variation 3375410 (VCV003375410.1).